The following is an entry in ClinVar:

ClinVar aggregate classification (germline): Uncertain significance (1 of 4 stars; one submission).

Submission:

GeneDx
Classification: Uncertain significance. Last evaluated: 2024-10-01. Review status: criteria provided, single submitter. Criteria: GeneDx Variant Classification Process June 2021. Collection method: clinical testing. Allele origin: germline. Affected: yes.
Comment: Not observed at significant frequency in large population cohorts (gnomAD); In silico analysis supports that this missense variant has a deleterious effect on protein structure/function; Has not been previously published as pathogenic or benign to our knowledge

NM_031407.7(HUWE1):c.12815A>T (p.Gln4272Leu)

Gene: HUWE1 (HECT, UBA and WWE domain containing E3 ubiquitin protein ligase 1; minus strand). Cytogenetic location: Xp11.22.
Variant type: single nucleotide variant.
Coding change: c.12815A>T on transcript NM_031407.7 (MANE Select); coding-DNA position 12815, A replaced by T.
Protein change: p.Gln4272Leu; replaces glutamine 4272 with leucine.
Molecular consequence: missense variant.
Genome position (GRCh38, 1-based): chrX:53,534,532, T>A on the plus strand (A>T on the coding strand, the complement: HUWE1 is on the minus strand). VCF-style: chrX-53534532-T-A. GRCh37 (hg19) VCF-style: chrX-53561493-T-A.
Other names: short protein forms Q4272L.
Identifiers: ClinVar variation 3776529 (VCV003776529.1).